The following is an entry in ClinVar:

ClinVar aggregate classification (germline): Pathogenic/Likely pathogenic. Review status: criteria provided, multiple submitters, no conflicts (2 of 4 stars). 2 submissions from 2 submitters: Pathogenic (1); Likely pathogenic (1). Last evaluated 2025-10-01.

Conditions:
Ichthyosis vulgaris. Also called: Dominant ichthyosis vulgaris; ICHTHYOSIS SIMPLEX. Identifiers: MedGen C0079584, MONDO:0024304, OMIM 146700.

gnomAD v4.1: 29 of 1,613,322 alleles (0.0018%); highest among the groups gnomAD compares: South Asian, 0.0044%; no homozygotes.

Submissions (2):

GeneDx
Classification: Pathogenic. Last evaluated: 2025-10-01. Review status: criteria provided, single submitter. Criteria: GeneDx Variant Classification Process June 2021. Collection method: clinical testing. Allele origin: germline.
Comment: Nonsense variant predicted to result in protein truncation, as the last 1658 amino acids are lost, and other loss-of-function variants have been reported downstream in HGMD; Not observed at significant frequency in large population cohorts (gnomAD); Reported in an individual with difficult-to-treat atopic dermatitis in published literature (PMID: 35042220); This variant is associated with the following publications: (PMID: 35042220, 16444271)

Department of Pathology and Laboratory Medicine, Sinai Health System
Classification: Likely pathogenic for Ichthyosis vulgaris. Last evaluated: 2023-09-18. Review status: criteria provided, single submitter. Criteria: ACMG Guidelines, 2015. Collection method: research. Allele origin: germline.

NM_002016.2(FLG):c.7211C>G (p.Ser2404Ter)

Genes: CCDST (cervical cancer associated DHX9 suppressive transcript; plus strand), FLG (filaggrin; minus strand). Cytogenetic location: 1q21.3.
Variant type: single nucleotide variant.
Coding change: c.7211C>G on transcript NM_002016.2 (MANE Select); coding-DNA position 7211, C replaced by G.
Protein change: p.Ser2404Ter; replaces serine 2404 with a stop codon.
Molecular consequence: nonsense.
Genome position (GRCh38, 1-based): chr1:152,307,675, G>C on the plus strand (C>G on the coding strand, the complement: FLG is on the minus strand). VCF-style: chr1-152307675-G-C. GRCh37 (hg19) VCF-style: chr1-152280151-G-C.
Other names: short protein forms S2404*.
Identifiers: ClinVar variation 3779662 (VCV003779662.3).